The following is an entry in ClinVar:

NM_001005242.3(PKP2):c.1851C>G (p.Asp617Glu)

Gene: PKP2 (plakophilin 2; minus strand). Cytogenetic location: 12p11.21.
Variant type: single nucleotide variant.
Coding change: c.1851C>G on transcript NM_001005242.3 (MANE Select); coding-DNA position 1851, C replaced by G.
Protein change: p.Asp617Glu; replaces aspartic acid 617 with glutamic acid.
Molecular consequence: missense variant.
Genome position (GRCh38, 1-based): chr12:32,821,518, G>C on the plus strand (C>G on the coding strand, the complement: PKP2 is on the minus strand). VCF-style: chr12-32821518-G-C. GRCh37 (hg19) VCF-style: chr12-32974452-G-C.
Other names: c.1851C>G, p.Asp617Glu (NM_001407155.1, NM_001407161.1); c.1686C>G, p.Asp562Glu (NM_001407156.1); c.1983C>G, p.Asp661Glu (NM_001407157.1, NM_004572.4); c.1524C>G, p.Asp508Glu (NM_001407158.1, NM_001407159.1, NM_001407160.1 and 1 more transcripts); short protein forms D508E, D562E, D617E, D661E.
Identifiers: ClinVar variation 3893892 (VCV003893892.1).

ClinVar aggregate classification (germline): Uncertain significance (1 of 4 stars; one submission).

Conditions:
Cardiomyopathy (CMYO). Also called: Cardiomyopathies. Identifiers: Orphanet 167848, MedGen C0878544, MONDO:0004994, HP:0001638. Inheritance: Various modes of inheritance.

gnomAD v4.1: 1 of 1,613,948 alleles (0.000062%); highest among the groups gnomAD compares: South Asian, 0.0011%; no homozygotes.

Submission:

Color Diagnostics, LLC DBA Color Health
Classification: Uncertain significance for Cardiomyopathy. Last evaluated: 2024-12-10. Review status: criteria provided, single submitter. Criteria: ACMG Guidelines, 2015. Collection method: clinical testing. Allele origin: germline.
Comment: This missense variant replaces aspartic acid with glutamic acid at codon 661 of the PKP2 protein. Computational prediction suggests that this variant may not impact protein structure and function (internally defined REVEL score threshold <= 0.5, PMID: 27666373). To our knowledge, functional studies have not been reported for this variant. This variant has not been reported in individuals affected with PKP2-related disorders in the literature. This variant has not been identified in the general population by the Genome Aggregation Database (gnomAD). The available evidence is insufficient to determine the role of this variant in disease conclusively. Therefore, this variant is classified as a Variant of Uncertain Significance.